The following is an entry in ClinVar:

NM_032043.3(BRIP1):c.3023T>C (p.Leu1008Ser)

Gene: BRIP1 (BRCA1 interacting DNA helicase 1; minus strand). Cytogenetic location: 17q23.2.
Variant type: single nucleotide variant.
Coding change: c.3023T>C on transcript NM_032043.3 (MANE Select); coding-DNA position 3023, T replaced by C.
Protein change: p.Leu1008Ser; replaces leucine 1008 with serine.
Molecular consequence: missense variant.
Genome position (GRCh38, 1-based): chr17:61,684,023, A>G on the plus strand (T>C on the coding strand, the complement: BRIP1 is on the minus strand). VCF-style: chr17-61684023-A-G. GRCh37 (hg19) VCF-style: chr17-59761384-A-G.
Other names: short protein forms L1008S.
Identifiers: ClinVar variation 942627 (VCV000942627.14), dbSNP rs2061323067, ClinGen allele CA400479971.

ClinVar aggregate classification (germline): Uncertain significance. Review status: criteria provided, multiple submitters, no conflicts (2 of 4 stars). 2 submissions from 2 submitters: Uncertain significance (2). Last evaluated 2025-07-07.

Conditions:
Familial cancer of breast. Also called: BREAST CANCER, FAMILIAL; Hereditary breast cancer; hereditary breast carcinoma. Identifiers: Orphanet 227535, MedGen C0346153, MONDO:0016419, OMIM 114480. Disease mechanism: loss of function.
Fanconi anemia complementation group J. Also called: BRIP1-Related Fanconi Anemia. Identifiers: Orphanet 84, MedGen C1836860, MONDO:0012187, OMIM 609054.
Hereditary cancer-predisposing syndrome. Also called: Neoplastic Syndromes, Hereditary; Hereditary neoplastic syndrome; Hereditary Cancer Syndrome; Tumor predisposition. Identifiers: Orphanet 140162, MedGen C0027672, MeSH D009386, MONDO:0015356.

Submissions (2):

Ambry Genetics
Classification: Uncertain significance for Hereditary cancer-predisposing syndrome. Last evaluated: 2025-07-07. Review status: criteria provided, single submitter. Criteria: Ambry Variant Classification Scheme 2023. Collection method: clinical testing. Allele origin: germline.
Comment: The p.L1008S variant (also known as c.3023T>C), located in coding exon 19 of the BRIP1 gene, results from a T to C substitution at nucleotide position 3023. The leucine at codon 1008 is replaced by serine, an amino acid with dissimilar properties. This amino acid position is conserved. In addition, this alteration is predicted to be tolerated by in silico analysis. Since supporting evidence is limited at this time, the clinical significance of this alteration remains unclear.

Labcorp Genetics (formerly Invitae), Labcorp
Classification: Uncertain significance for Familial cancer of breast; Fanconi anemia complementation group J. Last evaluated: 2024-04-27. Review status: criteria provided, single submitter. Criteria: Invitae Variant Classification Sherloc (09022015). Collection method: clinical testing. Allele origin: germline.
Comment: This sequence change replaces leucine, which is neutral and non-polar, with serine, which is neutral and polar, at codon 1008 of the BRIP1 protein (p.Leu1008Ser). This variant is not present in population databases (gnomAD no frequency). This variant has not been reported in the literature in individuals affected with BRIP1-related conditions. ClinVar contains an entry for this variant (Variation ID: 942627). Algorithms developed to predict the effect of missense changes on protein structure and function output the following: SIFT: "Not Available"; PolyPhen-2: "Benign"; Align-GVGD: "Not Available". The serine amino acid residue is found in multiple mammalian species, which suggests that this missense change does not adversely affect protein function. In summary, the available evidence is currently insufficient to determine the role of this variant in disease. Therefore, it has been classified as a Variant of Uncertain Significance.